The following is an entry in ClinVar:

ClinVar aggregate classification (germline): Uncertain significance. Review status: criteria provided, multiple submitters, no conflicts (2 of 4 stars). 3 submissions from 3 submitters: Uncertain significance (3). Last evaluated 2026-09-19.

Conditions:
Nephronophthisis 15 (NPHP15). Identifiers: Orphanet 3156, MedGen C3541853, MONDO:0013917, OMIM 614845.
CEP164-related disorder. Also called: CEP164-related condition.

Allele frequency attached by ClinVar (database versions not stated): gnomAD 0.00003 and 0.00004; gnomAD exomes 0.00005 and 0.00011; TOPMed 0.00005; ExAC 0.00011; 1000 Genomes Project 30x 0.00031; 1000 Genomes Project 0.00040.

Submissions (3):

PreventionGenetics, part of Exact Sciences
Classification: Uncertain significance for CEP164-related condition. Last evaluated: 2026-09-19. Review status: criteria provided, single submitter. Criteria: ACMG Guidelines, 2015. Collection method: clinical testing. Allele origin: germline.
Comment: The CEP164 c.3371T>C variant is predicted to result in the amino acid substitution p.Met1124Thr. To our knowledge, this variant has not been reported in the literature. This variant is reported in 0.14% of alleles in individuals of East Asian descent in gnomAD. Although we suspect that this variant may be benign, at this time, the clinical significance of this variant is uncertain due to the absence of conclusive functional and genetic evidence.

Labcorp Genetics (formerly Invitae), Labcorp
Classification: Uncertain significance for Nephronophthisis 15. Last evaluated: 2022-10-18. Review status: criteria provided, single submitter. Criteria: Invitae Variant Classification Sherloc (09022015). Collection method: clinical testing. Allele origin: germline.
Comment: This sequence change replaces methionine, which is neutral and non-polar, with threonine, which is neutral and polar, at codon 1124 of the CEP164 protein (p.Met1124Thr). This variant is present in population databases (rs527615343, gnomAD 0.1%). This variant has not been reported in the literature in individuals affected with CEP164-related conditions. ClinVar contains an entry for this variant (Variation ID: 848288). Advanced modeling of protein sequence and biophysical properties (such as structural, functional, and spatial information, amino acid conservation, physicochemical variation, residue mobility, and thermodynamic stability) performed at Invitae indicates that this missense variant is not expected to disrupt CEP164 protein function. In summary, the available evidence is currently insufficient to determine the role of this variant in disease. Therefore, it has been classified as a Variant of Uncertain Significance.

Department of Pathology and Laboratory Medicine, Sinai Health System
Classification: Uncertain significance for Nephronophthisis 15. Last evaluated: 2021-07-30. Review status: criteria provided, single submitter. Criteria: ACMG Guidelines, 2015. Collection method: research. Allele origin: germline.

NM_014956.5(CEP164):c.3371T>C (p.Met1124Thr)

Gene: CEP164 (centrosomal protein 164; plus strand). Cytogenetic location: 11q23.3.
Variant type: single nucleotide variant.
Coding change: c.3371T>C on transcript NM_014956.5 (MANE Select); coding-DNA position 3371, T replaced by C.
Protein change: p.Met1124Thr; replaces methionine 1124 with threonine.
Molecular consequence: missense variant.
Genome position (GRCh38, 1-based): chr11:117,397,183, T>C. VCF-style: chr11-117397183-T-C. GRCh37 (hg19) VCF-style: chr11-117267899-T-C.
Other names: c.3380T>C, p.Met1127Thr (NM_001271933.2); short protein forms M1124T, M1127T.
Identifiers: ClinVar variation 848288 (VCV000848288.9), dbSNP rs527615343, ClinGen allele CA6295432.